The following is an entry in ClinVar:

NM_017613.4(DONSON):c.448A>G (p.Ser150Gly)

Gene: DONSON (DNA replication fork stabilization factor DONSON; minus strand). Cytogenetic location: 21q22.11.
Variant type: single nucleotide variant.
Coding change: c.448A>G on transcript NM_017613.4 (MANE Select); coding-DNA position 448, A replaced by G.
Protein change: p.Ser150Gly; replaces serine 150 with glycine.
Molecular consequence: missense variant.
Genome position (GRCh38, 1-based): chr21:33,586,136, T>C on the plus strand (A>G on the coding strand, the complement: DONSON is on the minus strand). VCF-style: chr21-33586136-T-C. GRCh37 (hg19) VCF-style: chr21-34958442-T-C.
Other names: short protein forms S150G.
Identifiers: ClinVar variation 4762392 (VCV004762392.1).

ClinVar aggregate classification (germline): Uncertain significance (1 of 4 stars; one submission).

Submission:

Labcorp Genetics (formerly Invitae), Labcorp
Classification: Uncertain significance. Last evaluated: 2025-10-22. Review status: criteria provided, single submitter. Criteria: Invitae Variant Classification Sherloc (09022015). Collection method: clinical testing. Allele origin: germline.
Comment: This sequence change replaces serine, which is neutral and polar, with glycine, which is neutral and non-polar, at codon 150 of the DONSON protein (p.Ser150Gly). This variant is not present in population databases (gnomAD no frequency). This variant has not been reported in the literature in individuals affected with DONSON-related conditions. Invitae Evidence Modeling of protein sequence and biophysical properties (such as structural, functional, and spatial information, amino acid conservation, physicochemical variation, residue mobility, and thermodynamic stability) indicates that this missense variant is not expected to disrupt DONSON protein function with a negative predictive value of 80%. Algorithms developed to predict the effect of sequence changes on RNA splicing suggest that this variant may create or strengthen a splice site. In summary, the available evidence is currently insufficient to determine the role of this variant in disease. Therefore, it has been classified as a Variant of Uncertain Significance.